The following is an entry in ClinVar:

NM_001134363.3(RBM20):c.2537T>C (p.Met846Thr)

Gene: RBM20 (RNA binding motif protein 20; plus strand). Cytogenetic location: 10q25.2.
Variant type: single nucleotide variant.
Coding change: c.2537T>C on transcript NM_001134363.3 (MANE Select); coding-DNA position 2537, T replaced by C.
Protein change: p.Met846Thr; replaces methionine 846 with threonine.
Molecular consequence: missense variant.
Genome position (GRCh38, 1-based): chr10:110,812,934, T>C. VCF-style: chr10-110812934-T-C. GRCh37 (hg19) VCF-style: chr10-112572692-T-C.
Other names: short protein forms M846T.
Identifiers: ClinVar variation 3709761 (VCV003709761.2).

ClinVar aggregate classification (germline): Uncertain significance (1 of 4 stars; one submission).

Conditions:
Dilated cardiomyopathy 1DD (CMD1DD). Identifiers: Orphanet 154, MedGen C2750995, MONDO:0013168, OMIM 613172.

Submission:

Labcorp Genetics (formerly Invitae), Labcorp
Classification: Uncertain significance for Dilated cardiomyopathy 1DD. Last evaluated: 2024-04-24. Review status: criteria provided, single submitter. Criteria: Invitae Variant Classification Sherloc (09022015). Collection method: clinical testing. Allele origin: germline.
Comment: This sequence change replaces methionine, which is neutral and non-polar, with threonine, which is neutral and polar, at codon 846 of the RBM20 protein (p.Met846Thr). This variant is not present in population databases (gnomAD no frequency). This variant has not been reported in the literature in individuals affected with RBM20-related conditions. Advanced modeling of protein sequence and biophysical properties (such as structural, functional, and spatial information, amino acid conservation, physicochemical variation, residue mobility, and thermodynamic stability) performed at Invitae indicates that this missense variant is not expected to disrupt RBM20 protein function with a negative predictive value of 95%. In summary, the available evidence is currently insufficient to determine the role of this variant in disease. Therefore, it has been classified as a Variant of Uncertain Significance.